The following is an entry in ClinVar:

ClinVar aggregate classification (germline): Likely benign. Review status: criteria provided, multiple submitters, no conflicts (2 of 4 stars). 6 submissions from 6 submitters: Likely benign (6). Last evaluated 2026-06-09.

Conditions:
ACTC1-related disorder. Also called: ACTC1-related condition.
Cardiovascular phenotype. Identifiers: MedGen CN230736.
Hypertrophic cardiomyopathy 11. Also called: ACTC1-Related Familial Hypertrophic Cardiomyopathy. Identifiers: MedGen C2677506, MONDO:0012799, OMIM 612098.
Dilated cardiomyopathy 1R (CMD1R). Identifiers: Orphanet 154, Orphanet 54260, MedGen C3150681, MONDO:0013261, OMIM 613424.
Atrial septal defect 5 (ASD5). Identifiers: Orphanet 1478, MedGen C2748552, MONDO:0013011, OMIM 612794.
Hypertrophic cardiomyopathy. Also called: HYPERTROPHIC MYOCARDIOPATHY. Identifiers: Orphanet 217569, MedGen C0007194, MeSH D002312, MONDO:0005045, HP:0001639.

Allele frequency attached by ClinVar (database versions not stated): gnomAD 0.00001; gnomAD exomes 0.00001 and 0.00002; ExAC 0.00002; TOPMed below 0.00001.
gnomAD v4.1: 10 of 1,614,110 alleles (0.00062%); highest among the groups gnomAD compares: East Asian, 0.022%; no homozygotes.

Submissions (6):

PreventionGenetics, part of Exact Sciences
Classification: Likely benign for ACTC1-related condition. Last evaluated: 2026-06-09. Review status: criteria provided, single submitter. Criteria: ACMG Guidelines, 2015. Collection method: clinical testing. Allele origin: germline.
Comment: This variant is classified as likely benign based on ACMG/AMP sequence variant interpretation guidelines (Richards et al. 2015 PMID: 25741868, with internal and published modifications).

Labcorp Genetics (formerly Invitae), Labcorp
Classification: Likely benign for Dilated cardiomyopathy 1R; Hypertrophic cardiomyopathy 11; Atrial septal defect 5. Last evaluated: 2025-06-24. Review status: criteria provided, single submitter. Criteria: Invitae Variant Classification Sherloc (09022015). Collection method: clinical testing. Allele origin: germline.

Ambry Genetics
Classification: Likely benign for Cardiovascular phenotype. Last evaluated: 2024-03-30. Review status: criteria provided, single submitter. Criteria: Ambry Variant Classification Scheme 2023. Collection method: clinical testing. Allele origin: germline.

All of Us Research Program, National Institutes of Health
Classification: Likely benign for Hypertrophic cardiomyopathy. Last evaluated: 2023-12-01. Review status: criteria provided, single submitter. Criteria: ACMG Guidelines, 2015. Collection method: clinical testing. Allele origin: germline. Inheritance: Autosomal dominant inheritance. Observed: 1 variant allele, 1 heterozygote.
Comment: This study involves interpretation of variants in research participants for the purpose of population health screening. Participant phenotype was not available at the time of variant classification. Additional details can be found in publication PMID: 35346344, PMCID: PMC8962531

Blueprint Genetics
Classification: Likely benign. Last evaluated: 2023-06-12. Review status: criteria provided, single submitter. Criteria: ACMG Guidelines, 2015. Collection method: clinical testing. Allele origin: germline.

Laboratory for Molecular Medicine, Mass General Brigham Personalized Medicine
Classification: Likely benign. Last evaluated: 2009-09-18. Review status: criteria provided, single submitter. Criteria: LMM Criteria. Collection method: clinical testing. Allele origin: germline. Observed: 1 variant allele.

NM_005159.5(ACTC1):c.294G>A (p.Val98=)

Genes: ACTC1 (actin alpha cardiac muscle 1; minus strand), GJD2-DT (GJD2 divergent transcript; plus strand). Cytogenetic location: 15q14.
Variant type: single nucleotide variant.
Coding change: c.294G>A on transcript NM_005159.5 (MANE Select); coding-DNA position 294, G replaced by A.
Protein change: p.Val98=; no amino-acid change (valine 98 retained).
Molecular consequence: synonymous variant.
Genome position (GRCh38, 1-based): chr15:34,793,405, C>T on the plus strand (G>A on the coding strand, the complement: ACTC1 is on the minus strand). VCF-style: chr15-34793405-C-T. GRCh37 (hg19) VCF-style: chr15-35085606-C-T.
Identifiers: ClinVar variation 45174 (VCV000045174.11), dbSNP rs397517058, ClinGen allele CA019738.
Genomic context (GRCh38, chr15:34,793,405, plus strand): 5'-CCGGTTGGCCTTGGGGTTCAGCGGGGCCTCTGTGAGCAGGGTGGGGTGCTCCTCGGGAGC[C>T]ACACGGAGCTCATTGTAGAAGGTGTGGTGCCAGATCTTCTCCATGTCGTCCCAGTTGGTG-3'
Protein context (NP_005150.1, residues 88-108): WHHTFYNELR[Val98=]APEEHPTLLT